The following is an entry in ClinVar:

NM_004370.6(COL12A1):c.4117A>G (p.Ile1373Val)

Gene: COL12A1 (collagen type XII alpha 1 chain; minus strand). Cytogenetic location: 6q13.
Variant type: single nucleotide variant.
Coding change: c.4117A>G on transcript NM_004370.6 (MANE Select); coding-DNA position 4117, A replaced by G.
Protein change: p.Ile1373Val; replaces isoleucine 1373 with valine.
Molecular consequence: missense variant.
Genome position (GRCh38, 1-based): chr6:75,151,171, T>C on the plus strand (A>G on the coding strand, the complement: COL12A1 is on the minus strand). VCF-style: chr6-75151171-T-C. GRCh37 (hg19) VCF-style: chr6-75860887-T-C.
Other names: c.625A>G, p.Ile209Val (NM_080645.3); short protein forms I209V, I1373V.
Identifiers: ClinVar variation 1383246 (VCV001383246.6), dbSNP rs2149415217, ClinGen allele CA364746970.

ClinVar aggregate classification (germline): Uncertain significance (1 of 4 stars; one submission).

Conditions:
Bethlem myopathy 2 (BTHLM2). Identifiers: Orphanet 536516, Orphanet 610, MedGen C4225313, MONDO:0034022, OMIM 616471.
Ullrich congenital muscular dystrophy 2 (UCMD2). Identifiers: Orphanet 75840, MedGen C4225314, MONDO:0014654, OMIM 616470.

gnomAD v4.1: 5 of 1,605,148 alleles (0.00031%); highest among the groups gnomAD compares: Non-Finnish European, 0.00043%; no homozygotes.

Submission:

Labcorp Genetics (formerly Invitae), Labcorp
Classification: Uncertain significance for Bethlem myopathy 2; Ullrich congenital muscular dystrophy 2. Last evaluated: 2025-04-09. Review status: criteria provided, single submitter. Criteria: Invitae Variant Classification Sherloc (09022015). Collection method: clinical testing. Allele origin: germline.
Comment: This sequence change replaces isoleucine, which is neutral and non-polar, with valine, which is neutral and non-polar, at codon 1373 of the COL12A1 protein (p.Ile1373Val). This variant is not present in population databases (gnomAD no frequency). This variant has not been reported in the literature in individuals affected with COL12A1-related conditions. ClinVar contains an entry for this variant (Variation ID: 1383246). Invitae Evidence Modeling of protein sequence and biophysical properties (such as structural, functional, and spatial information, amino acid conservation, physicochemical variation, residue mobility, and thermodynamic stability) indicates that this missense variant is not expected to disrupt COL12A1 protein function with a negative predictive value of 80%. In summary, the available evidence is currently insufficient to determine the role of this variant in disease. Therefore, it has been classified as a Variant of Uncertain Significance.